The following is an entry in ClinVar:

ClinVar aggregate classification (germline): Uncertain significance. Review status: criteria provided, multiple submitters, no conflicts (2 of 4 stars). 3 submissions from 3 submitters: Uncertain significance (2). 1 of the submissions does not count toward it. Last evaluated 2024-10-07.

Conditions:
Familial Mediterranean fever (FMF). Also called: POLYSEROSITIS, FAMILIAL PAROXYSMAL; POLYSEROSITIS, RECURRENT; Periodic peritonitis; Benign paroxysmal peritonitis. Identifiers: Orphanet 342, MedGen C0031069, MONDO:0018088, OMIM 249100. Disease mechanism: gain of function.

Allele frequency attached by ClinVar (database versions not stated): gnomAD 0.00001; ESP Exome Variant Server 0.00008; TOPMed 0.00004; gnomAD exomes below 0.00001.
gnomAD v4.1: 10 of 1,610,856 alleles (0.00062%); highest among the groups gnomAD compares: Non-Finnish European, 0.00068%; no homozygotes.

Submissions (3):

GeneDx
Classification: Uncertain significance. Last evaluated: 2024-10-07. Review status: criteria provided, single submitter. Criteria: GeneDx Variant Classification Process June 2021. Collection method: clinical testing. Allele origin: germline. Affected: yes.
Comment: Not observed at significant frequency in large population cohorts (gnomAD); In silico analysis indicates that this missense variant does not alter protein structure/function; Has not been previously published as pathogenic or benign to our knowledge

Labcorp Genetics (formerly Invitae), Labcorp
Classification: Uncertain significance for Familial Mediterranean fever. Last evaluated: 2022-07-17. Review status: criteria provided, single submitter. Criteria: Invitae Variant Classification Sherloc (09022015). Collection method: clinical testing. Allele origin: germline.
Comment: This sequence change replaces tyrosine, which is neutral and polar, with asparagine, which is neutral and polar, at codon 135 of the MEFV protein (p.Tyr135Asn). This variant is present in population databases (rs145078602, gnomAD 0.0009%). This variant has not been reported in the literature in individuals affected with MEFV-related conditions. ClinVar contains an entry for this variant (Variation ID: 1021040). Algorithms developed to predict the effect of missense changes on protein structure and function output the following: SIFT: "Tolerated"; PolyPhen-2: "Benign"; Align-GVGD: "Class C0". The asparagine amino acid residue is found in multiple mammalian species, which suggests that this missense change does not adversely affect protein function. In summary, the available evidence is currently insufficient to determine the role of this variant in disease. Therefore, it has been classified as a Variant of Uncertain Significance.

Natera, Inc.
Classification: Uncertain significance for Familial Mediterranean fever. Last evaluated: 2020-07-16. Review status: no assertion criteria provided. Collection method: clinical testing. Allele origin: germline. Not counted in ClinVar's aggregate classification.

NM_000243.3(MEFV):c.403T>A (p.Tyr135Asn)

Gene: MEFV (MEFV innate immunity regulator, pyrin; minus strand). Cytogenetic location: 16p13.3.
Variant type: single nucleotide variant.
Coding change: c.403T>A on transcript NM_000243.3 (MANE Select); coding-DNA position 403, T replaced by A.
Protein change: p.Tyr135Asn; replaces tyrosine 135 with asparagine.
Molecular consequence: missense variant. On other transcripts: intron variant (1).
Genome position (GRCh38, 1-based): chr16:3,254,665, A>T on the plus strand (T>A on the coding strand, the complement: MEFV is on the minus strand). VCF-style: chr16-3254665-A-T. GRCh37 (hg19) VCF-style: chr16-3304665-A-T.
Other names: c.403T>A (NM_000243.2); c.277+1646T>A (NM_001198536.2); short protein forms Y135N.
Identifiers: ClinVar variation 1021040 (VCV001021040.11), dbSNP rs145078602, ClinGen allele CA276903017.